The following is an entry in ClinVar:

NM_017570.5(OPLAH):c.2677C>T (p.Gln893Ter)

Gene: OPLAH (5-oxoprolinase, ATP-hydrolysing; minus strand). Cytogenetic location: 8q24.3.
Variant type: single nucleotide variant.
Coding change: c.2677C>T on transcript NM_017570.5 (MANE Select); coding-DNA position 2677, C replaced by T.
Protein change: p.Gln893Ter; replaces glutamine 893 with a stop codon.
Molecular consequence: nonsense.
Genome position (GRCh38, 1-based): chr8:144,054,570, G>A on the plus strand (C>T on the coding strand, the complement: OPLAH is on the minus strand). VCF-style: chr8-144054570-G-A. GRCh37 (hg19) VCF-style: chr8-145109473-G-A.
Other names: short protein forms Q893*.
Identifiers: ClinVar variation 2770865 (VCV002770865.3), dbSNP rs1835460763, ClinGen allele CA372542461.
Genomic context (GRCh38, chr8:144,054,570, plus strand): 5'-GGCCATGTGTCCCAGCCTACAGAAGGCCTGCCCCACCCCACTCCCACTCACCCTCCTCCT[G>A]GAAGACGCCCCCCTGGACAAGTTTGAAGGACAGAAAGACGGCACCCTCCTGTTGCAGCAT-3'

ClinVar aggregate classification (germline): Pathogenic (1 of 4 stars; one submission).

Conditions:
5-Oxoprolinase deficiency (OPLAHD). Also called: 5-OXOPROLINURIA DUE TO 5-OXOPROLINASE DEFICIENCY. Identifiers: Orphanet 33572, MedGen C0268525, MONDO:0009825, OMIM 260005, HP:0040142.

Allele frequency attached by ClinVar (database versions not stated): gnomAD exomes below 0.00001; gnomAD 0.00001.
gnomAD v4.1: 2 of 1,585,856 alleles (0.00013%); highest among the groups gnomAD compares: South Asian, 0.0011%; no homozygotes.

Submission:

Labcorp Genetics (formerly Invitae), Labcorp
Classification: Pathogenic for 5-Oxoprolinase deficiency. Last evaluated: 2023-10-22. Review status: criteria provided, single submitter. Criteria: Invitae Variant Classification Sherloc (09022015). Collection method: clinical testing. Allele origin: germline.
Comment: This sequence change creates a premature translational stop signal (p.Gln893*) in the OPLAH gene. It is expected to result in an absent or disrupted protein product. Loss-of-function variants in OPLAH are known to be pathogenic (PMID: 21651516, 27477828). This variant is not present in population databases (gnomAD no frequency). This variant has not been reported in the literature in individuals affected with OPLAH-related conditions. Algorithms developed to predict the effect of sequence changes on RNA splicing suggest that this variant may disrupt the consensus splice site. For these reasons, this variant has been classified as Pathogenic.

Literature cited by the submitters: PubMed 21651516; PubMed 27477828.